The following is an entry in ClinVar:

ClinVar aggregate classification (germline): Benign/Likely benign. Review status: criteria provided, multiple submitters, no conflicts (2 of 4 stars). 3 submissions from 3 submitters: Benign (1); Likely benign (1). 1 of the submissions does not count toward it. Last evaluated 2026-01-28.

Conditions:
Glycine encephalopathy. Also called: Nonketotic hyperglycinemia; Non-ketotic hyperglycinemia. Identifiers: Orphanet 407, MedGen C0751748, MONDO:0011612, HP:0008288.

Allele frequency attached by ClinVar (database versions not stated): gnomAD exomes 0.00037; 1000 Genomes Project 30x 0.00109; 1000 Genomes Project 0.00120; ESP Exome Variant Server 0.00008; gnomAD 0.00018 and 0.00021; TOPMed 0.00022; ExAC 0.00035.
gnomAD v4.1: 159 of 1,606,774 alleles (0.0099%); highest among the groups gnomAD compares: East Asian, 0.27%; no homozygotes.

Submissions (3):

Labcorp Genetics (formerly Invitae), Labcorp
Classification: Benign for Glycine encephalopathy. Last evaluated: 2026-01-28. Review status: criteria provided, single submitter. Criteria: Invitae Variant Classification Sherloc (09022015). Collection method: clinical testing. Allele origin: germline.

Illumina Laboratory Services, Illumina
Classification: Likely benign for Glycine encephalopathy 1. Last evaluated: 2018-01-12. Review status: criteria provided, single submitter. Criteria: ICSL Variant Classification Criteria 13 December 2019. Collection method: clinical testing. Allele origin: germline.
Comment: This variant was observed in the ICSL laboratory as part of a predisposition screen in an ostensibly healthy population. It had not been previously curated by ICSL or reported in the Human Gene Mutation Database (HGMD: prior to June 1st, 2018), and was therefore a candidate for classification through an automated scoring system. Utilizing variant allele frequency, disease prevalence and penetrance estimates, and inheritance mode, an automated score was calculated to assess if this variant is too frequent to cause the disease. Based on the score and internal cut-off values, a variant classified as likely benign is not then subjected to further curation. The score for this variant resulted in a classification of likely benign for this disease.

Natera, Inc.
Classification: Likely benign for Non-ketotic hyperglycinemia. Last evaluated: 2019-10-24. Review status: no assertion criteria provided. Collection method: clinical testing. Allele origin: germline. Not counted in ClinVar's aggregate classification.

NM_000170.3(GLDC):c.1581-5C>T

Gene: GLDC (glycine decarboxylase; minus strand). Cytogenetic location: 9p24.1.
Variant type: single nucleotide variant.
Coding change: c.1581-5C>T on transcript NM_000170.3 (MANE Select); 5 bases into the intron before coding-DNA position 1581, C replaced by T.
Molecular consequence: intron variant.
Genome position (GRCh38, 1-based): chr9:6,588,707, G>A on the plus strand (C>T on the coding strand, the complement: GLDC is on the minus strand). VCF-style: chr9-6588707-G-A. GRCh37 (hg19) VCF-style: chr9-6588707-G-A.
Identifiers: ClinVar variation 367188 (VCV000367188.18), dbSNP rs184463452, ClinGen allele CA4980617.
Genomic context (GRCh38, chr9:6,588,707, plus strand): 5'-TGTCTTTATTTTCCAGTTTCTTCATGTACCGGACAATGTTTGTTTCAGAGTGGTAGCTGT[G>A]AACACAAAACACAGAATTAGGGGCCCCAAAAGTAGATATGAGTCCATGCACATCCTCCTG-3'